The following is an entry in ClinVar:

ClinVar aggregate classification (germline): Likely pathogenic. Review status: criteria provided, single submitter (1 of 4 stars). 2 submissions from 2 submitters: Likely pathogenic (1). 1 of the submissions does not count toward it. Last evaluated 2018-06-13.

Conditions:
Charcot-Marie-Tooth disease type 2. Also called: Charcot-Marie-Tooth type 2. Identifiers: Orphanet 64746, MedGen C0270914, MONDO:0018993.
Charcot-Marie-Tooth disease. Also called: Charcot-Marie-Tooth Neuropathy; Charcot-Marie-Tooth Hereditary Neuropathy. Identifiers: Orphanet 166, MedGen C0007959, MONDO:0015626.

Submissions (2):

Labcorp Genetics (formerly Invitae), Labcorp
Classification: Likely pathogenic for Charcot-Marie-Tooth disease type 2. Last evaluated: 2018-06-13. Review status: criteria provided, single submitter. Criteria: Invitae Variant Classification Sherloc (09022015). Collection method: clinical testing. Allele origin: germline.
Comment: In summary, the currently available evidence indicates that the variant is pathogenic, but additional data are needed to prove that conclusively. Therefore, this variant has been classified as Likely Pathogenic. Variants that disrupt the p.Pro251 amino acid residue in MFN2 have been observed in affected individuals (PMID: 24078732, 15064763, Invitae). This suggests that it is a clinically significant residue, and that other variants that disrupt this residue are likely to be causative of disease. Algorithms developed to predict the effect of missense changes on protein structure and function (SIFT, PolyPhen-2, Align-GVGD) all suggest that this variant is likely to be disruptive, but these predictions have not been confirmed by published functional studies and their clinical significance is uncertain. This variant has been observed in several individuals affected with Charcot-Marie-Tooth disease (PMID: 21508331, 21258814). This variant is not present in population databases (ExAC no frequency). This sequence change replaces proline with arginine at codon 251 of the MFN2 protein (p.Pro251Arg). The proline residue is highly conserved and there is a moderate physicochemical difference between proline and arginine.

Inherited Neuropathy Consortium
Classification: Uncertain significance for Charcot-Marie-Tooth disease. Review status: no assertion criteria provided. Collection method: literature only. Allele origin: germline. Affected: yes. Not counted in ClinVar's aggregate classification.

Literature cited by the submitters: PubMed 24078732 (cited by Labcorp Genetics (formerly Invitae), Labcorp); PubMed 15064763 (cited by Labcorp Genetics (formerly Invitae), Labcorp); PubMed 21508331 (cited by Labcorp Genetics (formerly Invitae), Labcorp); PubMed 21258814 (cited by Labcorp Genetics (formerly Invitae), Labcorp and Inherited Neuropathy Consortium).

NM_014874.4(MFN2):c.752C>G (p.Pro251Arg)

Gene: MFN2 (mitofusin 2; plus strand). Cytogenetic location: 1p36.22.
Variant type: single nucleotide variant.
Coding change: c.752C>G on transcript NM_014874.4 (MANE Select); coding-DNA position 752, C replaced by G.
Protein change: p.Pro251Arg; replaces proline 251 with arginine.
Molecular consequence: missense variant.
Genome position (GRCh38, 1-based): chr1:11,999,031, C>G. VCF-style: chr1-11999031-C-G. GRCh37 (hg19) VCF-style: chr1-12059088-C-G.
Other names: c.752C>G, p.Pro251Arg (NM_001127660.2); short protein forms P251R.
Identifiers: ClinVar variation 577604 (VCV000577604.9), dbSNP rs1557525153, ClinGen allele CA338439120.
Genomic context (GRCh38, chr1:11,999,031, plus strand): 5'-TCTTACCCTTTATCTAGGAAAAGCACTTCTTCCACAAGGTGAGTGAGCGTCTCTCCCGGC[C>G]AAACATCTTCATCCTGAACAACCGCTGGGATGCATCTGCCTCAGAGCCCGAGTACATGGA-3'
Protein context (NP_055689.1, residues 241-261): FHKVSERLSR[Pro251Arg]NIFILNNRWD